The following is an entry in ClinVar:

NM_000424.4(KRT5):c.1278_1289dup (p.Lys426_Arg429dup)

Genes: KRT5 (keratin 5; minus strand), LOC126861525 (BRD4-independent group 4 enhancer GRCh37_chr12:52909857-52911056; plus strand). Cytogenetic location: 12q13.13.
Variant type: Duplication.
Coding change: c.1278_1289dup on transcript NM_000424.4 (MANE Select); coding-DNA positions 1278 to 1289, 12 bases duplicated (GGATGCCAGGAA).
Protein change: p.Lys426_Arg429dup.
Molecular consequence: inframe insertion.
Genome position (GRCh38, 1-based): chr12:52,516,787-52,516,798, TTCCTGGCATCC duplicated on the plus strand (GGATGCCAGGAA on the coding strand, the reverse complement: KRT5 is on the minus strand); duplicating any 12 consecutive bases within chr12:52,516,787-52,516,800 gives the same sequence; the c. name uses the placement nearest the transcript's 3' end. VCF-style (leftmost placement, unchanged base first): chr12-52516786-G-GTTCCTGGCATCC. GRCh37 (hg19) VCF-style: chr12-52910570-G-GTTCCTGGCATCC.
Other names: c.1278_1289dupGGATGCCAGGAA (NM_000424.3).
Identifiers: ClinVar variation 452356 (VCV000452356.2), dbSNP rs1555156102, ClinGen allele CA658658156.

ClinVar aggregate classification (germline): Uncertain significance (1 of 4 stars; one submission).

Submission:

GeneDx
Classification: Uncertain significance. Last evaluated: 2017-09-20. Review status: criteria provided, single submitter. Criteria: GeneDx Variant Classification (06012015). Collection method: clinical testing. Allele origin: germline. Affected: yes.
Comment: The c.1278_1289dup12 variant in the KRT5 gene has not been reported previously as a pathogenic variant nor as a benign variant, to our knowledge. This variant causes an in-frame duplication of 4 amino acids starting with codon Lysine 426, and continuing through residue Arginine 429, denoted p.Lys426_Arg429dup. The c.1278_1289dup12 variant is not observed in large population cohorts (Lek et al., 2016; 1000 Genomes Consortium et al., 2015; Exome Variant Server). The c.1278_1289dup12 variant is located within the 2B region of the rod domain of the keratin 5 protein and may affect association and winding of the keratin proteins. Using the ACMG diagnostic criteria we interpret c.1278_1289dup12 as a variant of uncertain significance.